The following is an entry in ClinVar:

ClinVar aggregate classification (germline): Likely pathogenic (1 of 4 stars; one submission).

Conditions:
Cardiovascular phenotype. Identifiers: MedGen CN230736.

Submission:

Ambry Genetics
Classification: Likely pathogenic for Cardiovascular phenotype. Last evaluated: 2022-12-09. Review status: criteria provided, single submitter. Criteria: Ambry Variant Classification Scheme 2023. Collection method: clinical testing. Allele origin: germline.
Comment: The c.38254delG variant, located in coding exon 139 of the TTN gene, results from a deletion of one nucleotide at nucleotide position 38254, causing a translational frameshift with a predicted alternate stop codon (p.E12752Kfs*8). This exon is located in the A-band region of the N2-B isoform of the titin protein and is constitutively expressed in TTN transcripts (percent spliced in or PSI 100%). This variant is considered to be rare based on population cohorts in the Genome Aggregation Database (gnomAD). This alteration is expected to result in loss of function by premature protein truncation or nonsense-mediated mRNA decay. While truncating variants in TTN are present in 1-3% of the general population, truncating variants in the A-band are the most common cause of dilated cardiomyopathy (DCM) (Herman DS et al. N. Engl. J. Med., 2012 Feb;366:619-28; Roberts AM et al. Sci Transl Med, 2015 Jan;7:270ra6). TTN truncating variants encoded in constitutive exons (PSI >90%) have been found to be significantly associated with DCM regardless of their position in titin (Schafer S et al. Nat. Genet., 2017 01;49:46-53). Based on the majority of available evidence to date, this variant is likely to be pathogenic.

NM_001267550.2(TTN):c.65449del (p.Glu21817fs)

Genes: TTN (titin; minus strand), TTN-AS1 (TTN antisense RNA 1; plus strand). Cytogenetic location: 2q31.2.
Variant type: Deletion.
Coding change: c.65449del on transcript NM_001267550.2 (MANE Select); coding-DNA position 65449, one base deleted (G; older notation c.65449delG).
Protein change: p.Glu21817fs; shifts the reading frame from glutamic acid 21817.
Molecular consequence: frameshift variant. On other transcripts: non-coding transcript variant (1).
Genome position (GRCh38, 1-based): chr2:178,583,733, C deleted on the plus strand (G on the coding strand, the reverse complement: TTN is on the minus strand); the first of 2 consecutive C bases (chr2:178,583,733-178,583,734); deleting either gives the same sequence. VCF-style (leftmost placement, unchanged base first): chr2-178583732-TC-T. GRCh37 (hg19) VCF-style: chr2-179448459-TC-T.
Other names: c.60526del, p.Glu20176fs (NM_001256850.1); c.38254del, p.Glu12752fs (NM_003319.4); c.57745del, p.Glu19249fs (NM_133378.4); c.38629del, p.Glu12877fs (NM_133432.3); c.38830del, p.Glu12944fs (NM_133437.4); c.38254delG (NM_003319.4); short protein forms E12877fs, E20176fs, E12752fs, E19249fs, E12944fs, E21817fs.
Identifiers: ClinVar variation 2451873 (VCV002451873.2), dbSNP rs2469101483, ClinGen allele CA2580064624.